The following is an entry in ClinVar:

ClinVar aggregate classification (germline): Uncertain significance (0 of 4 stars; one submission).

Conditions:
GNAS-related disorder. Identifiers: MedGen CN380105.

Submission:

PreventionGenetics, part of Exact Sciences
Classification: Uncertain significance for GNAS-related condition. Last evaluated: 2024-06-01. Review status: no assertion criteria provided. Collection method: clinical testing. Allele origin: germline.
Comment: The GNAS c.1000G>A variant is predicted to result in the amino acid substitution p.Val334Met. To our knowledge, this variant has not been reported in the literature or in a large population database, indicating this variant is rare. At this time, the clinical significance of this variant is uncertain due to the absence of conclusive functional and genetic evidence.

NM_000516.7(GNAS):c.1000G>A (p.Val334Met)

Gene: GNAS (GNAS complex locus; plus strand). Cytogenetic location: 20q13.32.
Variant type: single nucleotide variant.
Coding change: c.1000G>A on transcript NM_000516.7 (MANE Select); coding-DNA position 1000, G replaced by A.
Protein change: p.Val334Met; replaces valine 334 with methionine.
Molecular consequence: missense variant. On other transcripts: 3 prime UTR variant (2).
Genome position (GRCh38, 1-based): chr20:58,910,363, G>A. VCF-style: chr20-58910363-G-A. GRCh37 (hg19) VCF-style: chr20-57485418-G-A.
Other names: c.1003G>A, p.Val335Met (NM_001077488.5); c.955G>A, p.Val319Met (NM_001077489.4); c.*861G>A (NM_001077490.3); c.823G>A, p.Val275Met (NM_001309840.2, NM_001309861.2); c.904G>A, p.Val302Met (NM_001410912.1); c.2884G>A, p.Val962Met (NM_001410913.1); c.*906G>A (NM_016592.5); c.2929G>A, p.Val977Met (NM_080425.4); and 1 more; short protein forms V275M, V302M, V319M, V320M, V334M, V335M, V962M, V977M.
Identifiers: ClinVar variation 3345317 (VCV003345317.1).